The following is an entry in ClinVar:

ClinVar aggregate classification (germline): Uncertain significance. Review status: criteria provided, multiple submitters, no conflicts (2 of 4 stars). 6 submissions from 5 submitters: Uncertain significance (5). 1 of the submissions does not count toward it. Last evaluated 2023-11-04.

Conditions:
Inborn genetic diseases. Identifiers: MedGen C0950123, MeSH D030342.
Usher syndrome. Also called: Usher's syndrome; Usher Syndromes. Identifiers: Orphanet 886, MedGen CN469326, MeSH D052245, MONDO:0019501. Disease mechanism: loss of function.
Retinitis pigmentosa 39 (RP39). Identifiers: Orphanet 791, MedGen C3151138, MONDO:0013436, OMIM 613809.
Usher syndrome type 2A. Also called: RETINAL DISEASE IN USHER SYNDROME TYPE IIA, MODIFIER OF; USHER SYNDROME, TYPE IIA. Identifiers: Orphanet 231178, Orphanet 886, MedGen C1848634, MONDO:0010169, OMIM 276901.

Allele frequency attached by ClinVar (database versions not stated): gnomAD exomes below 0.00001; ExAC 0.00001.
gnomAD v4.1: 1 of 1,613,370 alleles (0.000062%); highest among the groups gnomAD compares: Admixed American, 0.0017%; no homozygotes.

Submissions (6):

Genome-Nilou Lab
Classification: Uncertain significance for Retinitis pigmentosa 39. Last evaluated: 2023-11-04. Review status: criteria provided, single submitter. Criteria: ACMG Guidelines, 2015. Collection method: clinical testing. Allele origin: germline. Affected: no.

Genome-Nilou Lab
Classification: Uncertain significance for Usher syndrome type 2A. Last evaluated: 2023-11-04. Review status: criteria provided, single submitter. Criteria: ACMG Guidelines, 2015. Collection method: clinical testing. Allele origin: germline. Affected: no.

Ambry Genetics
Classification: Uncertain significance for Inborn genetic diseases. Last evaluated: 2022-12-02. Review status: criteria provided, single submitter. Criteria: Ambry Variant Classification Scheme 2023. Collection method: clinical testing. Allele origin: germline.

Knight Diagnostic Laboratories, Oregon Health and Sciences University
Classification: Uncertain significance for Usher syndrome. Last evaluated: 2019-06-04. Review status: criteria provided, single submitter. Criteria: ACMG Guidelines, 2015. Collection method: clinical testing. Allele origin: germline. Observed: 1 variant allele.

Laboratory for Molecular Medicine, Mass General Brigham Personalized Medicine
Classification: Uncertain significance. Last evaluated: 2015-07-30. Review status: criteria provided, single submitter. Criteria: LMM Criteria. Collection method: clinical testing. Allele origin: germline. Observed: 1 variant allele.
Comment: The p.Met3392Lys variant in USH2A has not been previously reported in individual s with hearing loss or Usher syndrome, but has been identified in 1/11462 Latino chromosomes by the Exome Aggregation Consortium (ExAC). Computational prediction tools and conservation analysis suggest that t his variant may not impact the protein, though this information is not predictiv e enough to rule out pathogenicity. In summary, the clinical significance of the p.Met3392Lys variant is uncertain.

Natera, Inc.
Classification: Uncertain significance for Usher syndrome type 2A. Last evaluated: 2020-08-12. Review status: no assertion criteria provided. Collection method: clinical testing. Allele origin: germline. Not counted in ClinVar's aggregate classification.

NM_206933.4(USH2A):c.10175T>A (p.Met3392Lys)

Gene: USH2A (usherin; minus strand). Cytogenetic location: 1q41.
Variant type: single nucleotide variant.
Coding change: c.10175T>A on transcript NM_206933.4 (MANE Select); coding-DNA position 10175, T replaced by A.
Protein change: p.Met3392Lys; replaces methionine 3392 with lysine.
Molecular consequence: missense variant.
Genome position (GRCh38, 1-based): chr1:215,790,066, A>T on the plus strand (T>A on the coding strand, the complement: USH2A is on the minus strand). VCF-style: chr1-215790066-A-T. GRCh37 (hg19) VCF-style: chr1-215963408-A-T.
Other names: short protein forms M3392K.
Identifiers: ClinVar variation 229613 (VCV000229613.11), dbSNP rs757682417, ClinGen allele CA1394125.